The following is an entry in ClinVar:

ClinVar aggregate classification (germline): Uncertain significance (1 of 4 stars; one submission).

Conditions:
Infantile-onset X-linked spinal muscular atrophy. Also called: Spinal muscular atrophy, X-linked 2; AMC, DISTAL, X-LINKED; ARTHROGRYPOSIS, X-LINKED, TYPE I; SPINAL MUSCULAR ATROPHY, X-LINKED LETHAL INFANTILE; Spinal Muscular Atrophy, X-Linked Infantile. Identifiers: Orphanet 1145, MedGen C1844934, MONDO:0010532, OMIM 301830.

Allele frequency attached by ClinVar (database versions not stated): ExAC 0.00001; gnomAD 0.00001; TOPMed 0.00001; gnomAD exomes 0.00002.
gnomAD v4.1: 18 of 1,210,383 alleles (0.0015%); highest among the groups gnomAD compares: Non-Finnish European, 0.002%; no homozygotes.

Submission:

Labcorp Genetics (formerly Invitae), Labcorp
Classification: Uncertain significance for Infantile-onset X-linked spinal muscular atrophy. Last evaluated: 2024-03-13. Review status: criteria provided, single submitter. Criteria: Invitae Variant Classification Sherloc (09022015). Collection method: clinical testing. Allele origin: germline.
Comment: This sequence change replaces arginine, which is basic and polar, with glutamine, which is neutral and polar, at codon 1032 of the UBA1 protein (p.Arg1032Gln). The frequency data for this variant in the population databases is considered unreliable, as metrics indicate poor data quality at this position in the gnomAD database. This variant has not been reported in the literature in individuals affected with UBA1-related conditions. Algorithms developed to predict the effect of missense changes on protein structure and function output the following: SIFT: "Not Available"; PolyPhen-2: "Benign"; Align-GVGD: "Not Available". The glutamine amino acid residue is found in multiple mammalian species, which suggests that this missense change does not adversely affect protein function. In summary, the available evidence is currently insufficient to determine the role of this variant in disease. Therefore, it has been classified as a Variant of Uncertain Significance.

NM_003334.4(UBA1):c.3095G>A (p.Arg1032Gln)

Gene: UBA1 (ubiquitin like modifier activating enzyme 1; plus strand). Cytogenetic location: Xp11.3.
Variant type: single nucleotide variant.
Coding change: c.3095G>A on transcript NM_003334.4 (MANE Select); coding-DNA position 3095, G replaced by A.
Protein change: p.Arg1032Gln; replaces arginine 1032 with glutamine.
Molecular consequence: missense variant.
Genome position (GRCh38, 1-based): chrX:47,214,847, G>A. VCF-style: chrX-47214847-G-A. GRCh37 (hg19) VCF-style: chrX-47074246-G-A.
Other names: c.3095G>A, p.Arg1032Gln (NM_153280.3); short protein forms R1032Q.
Identifiers: ClinVar variation 2710464 (VCV002710464.3), dbSNP rs782077225, ClinGen allele CA10396270.